The following is an entry in ClinVar:

ClinVar aggregate classification (germline): Conflicting classifications of pathogenicity. Review status: criteria provided, conflicting classifications (1 of 4 stars). 9 submissions from 9 submitters: Uncertain significance (8); Likely benign (1). Last evaluated 2025-11-21.

Conditions:
DSP-related disorder. Also called: DSP-related disorders; DSP-related condition.
Cardiovascular phenotype. Identifiers: MedGen CN230736.
Arrhythmogenic right ventricular dysplasia 8 (ARVD8). Also called: Arrhythmogenic Right Ventricular Dysplasia/Cardiomyopathy 8; ARRHYTHMOGENIC RIGHT VENTRICULAR DYSPLASIA, FAMILIAL, 8; ARRHYTHMOGENIC RIGHT VENTRICULAR CARDIOMYOPATHY 8. Identifiers: MedGen C1843896, MONDO:0011831, OMIM 607450.
Arrhythmogenic cardiomyopathy with wooly hair and keratoderma. Also called: Dilated cardiomyopathy with woolly hair and keratoderma; Arrhythmogenic cardiomyopathy with woolly hair and keratoderma; Carvajal syndrome; PALMOPLANTAR KERATODERMA WITH LEFT VENTRICULAR CARDIOMYOPATHY AND WOOLLY HAIR. Identifiers: Orphanet 65282, MedGen C1854063, MONDO:0011581, OMIM 605676.
Cardiomyopathy (CMYO). Also called: Cardiomyopathies. Identifiers: Orphanet 167848, MedGen C0878544, MONDO:0004994, HP:0001638. Inheritance: Various modes of inheritance.

Allele frequency attached by ClinVar (database versions not stated): TOPMed 0.00001; ExAC 0.00002; gnomAD 0.00002; gnomAD exomes 0.00003.
gnomAD v4.1: 41 of 1,613,996 alleles (0.0025%); highest among the groups gnomAD compares: Non-Finnish European, 0.0029%; no homozygotes.

Submissions (9):

Labcorp Genetics (formerly Invitae), Labcorp
Classification: Likely benign for Arrhythmogenic cardiomyopathy with wooly hair and keratoderma; Arrhythmogenic right ventricular dysplasia 8. Last evaluated: 2025-11-21. Review status: criteria provided, single submitter. Criteria: Invitae Variant Classification Sherloc (09022015). Collection method: clinical testing. Allele origin: germline.

PreventionGenetics, part of Exact Sciences
Classification: Uncertain significance for DSP-related condition. Last evaluated: 2025-10-06. Review status: criteria provided, single submitter. Criteria: ACMG Guidelines, 2015. Collection method: clinical testing. Allele origin: germline.
Comment: The DSP c.3800G>A variant is predicted to result in the amino acid substitution p.Arg1267Gln. To our knowledge, this variant has not been reported in the literature. This variant is reported in 0.0054% of alleles in individuals of East Asian descent in gnomAD. At this time, the clinical significance of this variant is uncertain due to the absence of conclusive functional and genetic evidence.

Ambry Genetics
Classification: Uncertain significance for Cardiovascular phenotype. Last evaluated: 2025-06-10. Review status: criteria provided, single submitter. Criteria: Ambry Variant Classification Scheme 2023. Collection method: clinical testing. Allele origin: germline.
Comment: The p.R1267Q variant (also known as c.3800G>A), located in coding exon 23 of the DSP gene, results from a G to A substitution at nucleotide position 3800. The arginine at codon 1267 is replaced by glutamine, an amino acid with highly similar properties. This amino acid position is not well conserved in available vertebrate species. In addition, the in silico prediction for this alteration is inconclusive. Since supporting evidence is limited at this time, the clinical significance of this alteration remains unclear.

Molecular Diagnostic Laboratory for Inherited Cardiovascular Disease, Montreal Heart Institute
Classification: Uncertain significance for Cardiovascular phenotype. Last evaluated: 2025-02-17. Review status: criteria provided, single submitter. Criteria: ACMG Guidelines, 2015. Collection method: clinical testing. Allele origin: germline. Affected: yes.

Mayo Clinic Laboratories, Mayo Clinic
Classification: Uncertain significance. Last evaluated: 2025-02-16. Review status: criteria provided, single submitter. Criteria: ACMG Guidelines, 2015. Collection method: clinical testing. Allele origin: germline. Observed: 1 variant allele.

All of Us Research Program, National Institutes of Health
Classification: Uncertain significance for Arrhythmogenic cardiomyopathy with wooly hair and keratoderma. Last evaluated: 2024-09-23. Review status: criteria provided, single submitter. Criteria: ACMG Guidelines, 2015. Collection method: clinical testing. Allele origin: germline. Inheritance: Autosomal dominant inheritance. Observed: 12 variant alleles, 12 heterozygotes.
Comment: This missense variant replaces arginine with glutamine at codon 1267 of the DSP protein. Computational prediction suggests that this variant may not impact protein structure and function (internally defined REVEL score threshold <= 0.5, PMID: 27666373). To our knowledge, functional studies have not been reported for this variant. This variant has not been reported in individuals affected with cardiovascular disorders in the literature. This variant has been identified in 7/250804 chromosomes in the general population by the Genome Aggregation Database (gnomAD). The available evidence is insufficient to determine the role of this variant in disease conclusively. Therefore, this variant is classified as a Variant of Uncertain Significance.

This study involves interpretation of variants in research participants for the purpose of population health screening. Participant phenotype was not available at the time of variant classification. Additional details can be found in publication PMID: 35346344, PMCID: PMC8962531

Blueprint Genetics
Classification: Uncertain significance. Last evaluated: 2024-03-28. Review status: criteria provided, single submitter. Criteria: ACMG Guidelines, 2015. Collection method: clinical testing. Allele origin: germline.

Color Diagnostics, LLC DBA Color Health
Classification: Uncertain significance for Cardiomyopathy. Last evaluated: 2024-03-06. Review status: criteria provided, single submitter. Criteria: ACMG Guidelines, 2015. Collection method: clinical testing. Allele origin: germline.
Comment: This missense variant replaces arginine with glutamine at codon 1267 of the DSP protein. Computational prediction suggests that this variant may not impact protein structure and function (internally defined REVEL score threshold <= 0.5, PMID: 27666373). To our knowledge, functional studies have not been reported for this variant. This variant has not been reported in individuals affected with cardiovascular disorders in the literature. This variant has been identified in 7/250804 chromosomes in the general population by the Genome Aggregation Database (gnomAD). The available evidence is insufficient to determine the role of this variant in disease conclusively. Therefore, this variant is classified as a Variant of Uncertain Significance.

GeneDx
Classification: Uncertain significance. Last evaluated: 2019-07-09. Review status: criteria provided, single submitter. Criteria: GeneDx Variant Classification Process June 2021. Collection method: clinical testing. Allele origin: germline. Affected: yes.
Comment: Has not been previously published as pathogenic or benign to our knowledge; Reported in ClinVar but additional evidence is not available (ClinVar Variant ID#199934; Landrum et al., 2016); In silico analysis, which includes protein predictors and evolutionary conservation, supports that this variant does not alter protein structure/function

NM_004415.4(DSP):c.3800G>A (p.Arg1267Gln)

Gene: DSP (desmoplakin; plus strand). Cytogenetic location: 6p24.3.
Variant type: single nucleotide variant.
Coding change: c.3800G>A on transcript NM_004415.4 (MANE Select); coding-DNA position 3800, G replaced by A.
Protein change: p.Arg1267Gln; replaces arginine 1267 with glutamine.
Molecular consequence: missense variant. On other transcripts: intron variant (1).
Genome position (GRCh38, 1-based): chr6:7,579,990, G>A. VCF-style: chr6-7579990-G-A. GRCh37 (hg19) VCF-style: chr6-7580223-G-A.
Other names: p.R1267Q:CGA>CAA; p.Arg1267Gln; c.3800G>A (LRG_423t1, NM_004415.3); c.3800G>A, p.Arg1267Gln (NM_001319034.2); c.3582+218G>A (NM_001008844.3); short protein forms R1267Q.
Identifiers: ClinVar variation 199934 (VCV000199934.22), dbSNP rs759698959, ClinGen allele CA004259.